The following is an entry in ClinVar:

NM_001142966.3(GREB1L):c.4768T>A (p.Tyr1590Asn)

Gene: GREB1L (GREB1 like retinoic acid receptor coactivator; plus strand). Cytogenetic location: 18q11.2.
Variant type: single nucleotide variant.
Coding change: c.4768T>A on transcript NM_001142966.3 (MANE Select); coding-DNA position 4768, T replaced by A.
Protein change: p.Tyr1590Asn; replaces tyrosine 1590 with asparagine.
Molecular consequence: missense variant.
Genome position (GRCh38, 1-based): chr18:21,513,853, T>A. VCF-style: chr18-21513853-T-A. GRCh37 (hg19) VCF-style: chr18-19093814-T-A.
Other names: c.4897T>A, p.Tyr1633Asn (NM_001410867.1); c.4441T>A, p.Tyr1481Asn (NM_001410868.1); short protein forms Y1590N, Y1633N, Y1481N.
Identifiers: ClinVar variation 4978346 (VCV004978346.1).
Genomic context (GRCh38, chr18:21,513,853, plus strand): 5'-ATGCAGATGTGGTTATGTTGCCTTCCAGGTGCTGCCAGGTTCCTCATCAAGGAGCTATCA[T>A]ATCACAACCTAGAATTGGAGAGAAACCGCCTGGAGGAGCTAGGCATTAAACGCCAGTGTG-3'
Protein context (NP_001136438.1, residues 1580-1600): AARFLIKELS[Tyr1590Asn]HNLELERNRL

ClinVar aggregate classification (germline): Likely benign (1 of 4 stars; one submission).

Conditions:
GREB1L-related disorder. Also called: GREB1L-related condition.

gnomAD v4.1: 70 of 1,551,652 alleles (0.0045%); highest among the groups gnomAD compares: South Asian, 0.077%; 1 homozygote.

Submission:

PreventionGenetics, part of Exact Sciences
Classification: Likely benign for GREB1L-related condition. Last evaluated: 2026-05-15. Review status: criteria provided, single submitter. Criteria: ACMG Guidelines, 2015. Collection method: clinical testing. Allele origin: germline.
Comment: This variant is classified as likely benign based on ACMG/AMP sequence variant interpretation guidelines (Richards et al. 2015 PMID: 25741868, with internal and published modifications).